The following is an entry in ClinVar:

NM_002471.4(MYH6):c.2344A>G (p.Arg782Gly)

Gene: MYH6 (myosin heavy chain 6; minus strand). Cytogenetic location: 14q11.2.
Variant type: single nucleotide variant.
Coding change: c.2344A>G on transcript NM_002471.4 (MANE Select); coding-DNA position 2344, A replaced by G.
Protein change: p.Arg782Gly; replaces arginine 782 with glycine.
Molecular consequence: missense variant.
Genome position (GRCh38, 1-based): chr14:23,396,369, T>C on the plus strand (A>G on the coding strand, the complement: MYH6 is on the minus strand). VCF-style: chr14-23396369-T-C. GRCh37 (hg19) VCF-style: chr14-23865578-T-C.
Other names: short protein forms R782G.
Identifiers: ClinVar variation 3372080 (VCV003372080.1).

ClinVar aggregate classification (germline): Uncertain significance (1 of 4 stars; one submission).

gnomAD v4.1: 1 of 1,614,086 alleles (0.000062%); highest among the groups gnomAD compares: East Asian, 0.0022%; no homozygotes.

Submission:

GeneDx
Classification: Uncertain significance. Last evaluated: 2024-04-07. Review status: criteria provided, single submitter. Criteria: GeneDx Variant Classification Process June 2021. Collection method: clinical testing. Allele origin: germline. Affected: yes.
Comment: Has not been previously published as pathogenic or benign to our knowledge; Not observed at significant frequency in large population cohorts (gnomAD); In silico analysis supports that this missense variant has a deleterious effect on protein structure/function